The following is an entry in ClinVar:

ClinVar aggregate classification (germline): Uncertain significance (1 of 4 stars; one submission).

Allele frequency attached by ClinVar (database versions not stated): gnomAD 0.00002; TOPMed 0.00003; ExAC 0.00004; ESP Exome Variant Server 0.00008; gnomAD exomes 0.00015.
gnomAD v4.1: 219 of 1,608,522 alleles (0.014%); highest among the groups gnomAD compares: Non-Finnish European, 0.018%; no homozygotes.

Submission:

Labcorp Genetics (formerly Invitae), Labcorp
Classification: Uncertain significance. Last evaluated: 2025-06-29. Review status: criteria provided, single submitter. Criteria: Invitae Variant Classification Sherloc (09022015). Collection method: clinical testing. Allele origin: germline.
Comment: This sequence change replaces alanine, which is neutral and non-polar, with valine, which is neutral and non-polar, at codon 703 of the TAOK2 protein (p.Ala703Val). This variant is present in population databases (rs55893926, gnomAD 0.01%). This variant has not been reported in the literature in individuals affected with TAOK2-related conditions. ClinVar contains an entry for this variant (Variation ID: 2413655). An algorithm developed to predict the effect of missense changes on protein structure and function (PolyPhen-2) suggests that this variant is likely to be tolerated. In summary, the available evidence is currently insufficient to determine the role of this variant in disease. Therefore, it has been classified as a Variant of Uncertain Significance.

NM_016151.4(TAOK2):c.2108C>T (p.Ala703Val)

Gene: TAOK2 (TAO kinase 2; plus strand). Cytogenetic location: 16p11.2.
Variant type: single nucleotide variant.
Coding change: c.2108C>T on transcript NM_016151.4 (MANE Select); coding-DNA position 2108, C replaced by T.
Protein change: p.Ala703Val; replaces alanine 703 with valine.
Molecular consequence: missense variant.
Genome position (GRCh38, 1-based): chr16:29,986,380, C>T. VCF-style: chr16-29986380-C-T. GRCh37 (hg19) VCF-style: chr16-29997701-C-T.
Other names: c.2108C>T, p.Ala703Val (NM_001252043.2, NM_004783.4); short protein forms A703V.
Identifiers: ClinVar variation 2413655 (VCV002413655.6), dbSNP rs55893926, ClinGen allele CA7998316.